The following is an entry in ClinVar:

ClinVar aggregate classification (germline): Conflicting classifications of pathogenicity. Review status: criteria provided, conflicting classifications (1 of 4 stars). 10 submissions from 10 submitters: Uncertain significance (1); Benign (4); Likely benign (5). Last evaluated 2026-09-01.

Conditions:
Orofacial cleft 1 (OFC1). Also called: OROFACIAL CLEFT, NONSYNDROMIC; CLEFT LIP WITH OR WITHOUT CLEFT PALATE, NONSYNDROMIC, 1; Nonsyndromic Cleft Lip/Palate. Identifiers: MedGen C1861537, MeSH C566121, MONDO:0007335, OMIM 119530.
Stickler syndrome type 1 (STL1). Also called: ARTHROOPHTHALMOPATHY, HEREDITARY PROGRESSIVE; STICKLER SYNDROME, MEMBRANOUS VITREOUS TYPE; STICKLER SYNDROME, VITREOUS TYPE 1; COL2A1-Related Stickler Syndrome. Identifiers: Orphanet 828, Orphanet 90653, MedGen C2020284, MONDO:0007160, OMIM 108300.

Allele frequency attached by ClinVar (database versions not stated): ESP Exome Variant Server 0.00015; 1000 Genomes Project 30x 0.00047; 1000 Genomes Project 0.00060; TOPMed 0.00065; ExAC 0.00090.
gnomAD v4.1: 491 of 1,613,888 alleles (0.03%); highest among the groups gnomAD compares: Admixed American, 0.76%; 1 homozygote.

Submissions (10):

CeGaT Center for Human Genetics Tuebingen
Classification: Likely benign. Last evaluated: 2026-09-01. Review status: criteria provided, single submitter. Criteria: CeGaT Center For Human Genetics Tuebingen Variant Classification Criteria Version 2. Collection method: clinical testing. Allele origin: germline. Affected: yes. Observed: 4 variant alleles.
Comment: COL2A1: PM5, BS1

Labcorp Genetics (formerly Invitae), Labcorp
Classification: Benign. Last evaluated: 2026-02-02. Review status: criteria provided, single submitter. Criteria: Invitae Variant Classification Sherloc (09022015). Collection method: clinical testing. Allele origin: germline.

Blueprint Genetics
Classification: Likely benign. Last evaluated: 2024-11-15. Review status: criteria provided, single submitter. Criteria: ACMG Guidelines, 2015. Collection method: clinical testing. Allele origin: germline.

ARUP Laboratories, Molecular Genetics and Genomics, ARUP Laboratories
Classification: Likely benign. Last evaluated: 2023-10-11. Review status: criteria provided, single submitter. Criteria: ARUP Molecular Germline Variant Investigation Process 2024. Collection method: clinical testing. Allele origin: germline.

Grupo de Genetica Humana, Facultad de Medicina - Universidad de La Sabana
Classification: Uncertain significance for Orofacial cleft 1. Last evaluated: 2022-11-22. Review status: criteria provided, single submitter. Criteria: ACMG Guidelines, 2015. Collection method: research. Allele origin: germline. Affected: yes and no. Observed: 4 variant alleles.
Comment: Likely pathogenic VUS in the COL2A1 gene, which has been implicated in Stickler syndrome, a condition with manifestations in the eye, ear, joints, face, and palate, including cleft palate.

GeneDx
Classification: Likely benign. Last evaluated: 2021-03-01. Review status: criteria provided, single submitter. Criteria: GeneDx Variant Classification Process June 2021. Collection method: clinical testing. Allele origin: germline. Affected: yes.
Comment: This variant is associated with the following publications: (PMID: 24664531)

Athena Diagnostics
Classification: Benign. Last evaluated: 2019-08-05. Review status: criteria provided, single submitter. Criteria: Athena Diagnostics Criteria. Collection method: clinical testing. Allele origin: germline.

Mendelics
Classification: Benign for Stickler syndrome type 1. Last evaluated: 2019-05-28. Review status: criteria provided, single submitter. Criteria: Mendelics Assertion Criteria 2017. Collection method: clinical testing. Allele origin: unknown.

Eurofins Ntd Llc (ga)
Classification: Benign. Last evaluated: 2015-09-29. Review status: criteria provided, single submitter. Criteria: EGL Classification Definitions 2015. Collection method: clinical testing. Allele origin: germline. Observed: 1 variant allele, 1 heterozygote.

PreventionGenetics, part of Exact Sciences
Classification: Likely benign. Review status: criteria provided, single submitter. Criteria: ACMG Guidelines, 2015. Collection method: clinical testing. Allele origin: germline.

Literature cited by the submitters: DOI:10.3390/GENES13071135 (cited by Grupo de Genetica Humana, Facultad de Medicina - Universidad de La Sabana); DOI:10.1002/AJMG.A.36463 (cited by Grupo de Genetica Humana, Facultad de Medicina - Universidad de La Sabana); PubMed 24664531 (cited by Athena Diagnostics).

NM_001844.5(COL2A1):c.1649G>T (p.Arg550Leu)

Gene: COL2A1 (collagen type II alpha 1 chain; minus strand). Cytogenetic location: 12q13.11.
Variant type: single nucleotide variant.
Coding change: c.1649G>T on transcript NM_001844.5 (MANE Select); coding-DNA position 1649, G replaced by T.
Protein change: p.Arg550Leu; replaces arginine 550 with leucine.
Molecular consequence: missense variant.
Genome position (GRCh38, 1-based): chr12:47,985,759, C>A on the plus strand (G>T on the coding strand, the complement: COL2A1 is on the minus strand). VCF-style: chr12-47985759-C-A. GRCh37 (hg19) VCF-style: chr12-48379542-C-A.
Other names: c.1442G>T, p.Arg481Leu (NM_033150.3); short protein forms R550L, R481L.
Identifiers: ClinVar variation 258213 (VCV000258213.34), dbSNP rs186233557, ClinGen allele CA6535432.